The following is an entry in ClinVar:

NM_172107.4(KCNQ2):c.1080G>T (p.Trp360Cys)

Gene: KCNQ2 (potassium voltage-gated channel subfamily Q member 2; minus strand). Cytogenetic location: 20q13.33.
Variant type: single nucleotide variant.
Coding change: c.1080G>T on transcript NM_172107.4 (MANE Select); coding-DNA position 1080, G replaced by T.
Protein change: p.Trp360Cys; replaces tryptophan 360 with cysteine.
Molecular consequence: missense variant.
Genome position (GRCh38, 1-based): chr20:63,433,847, C>A on the plus strand (G>T on the coding strand, the complement: KCNQ2 is on the minus strand). VCF-style: chr20-63433847-C-A. GRCh37 (hg19) VCF-style: chr20-62065200-C-A.
Other names: c.1080G>T, p.Trp360Cys (NM_004518.6, NM_172106.3, NM_172108.5 and 1 more transcripts); short protein forms W360C.
Identifiers: ClinVar variation 637022 (VCV000637022.1), dbSNP rs1600732174, ClinGen allele CA409651120.
Genomic context (GRCh38, chr20:63,433,847, plus strand): 5'-GGCAGGTGCCCGGCGGCGGTACCTGTACATGGGCACGGTGACCGTTCGCTCGTAGTACTG[C>A]CACGTGGAGTGCAGGTCTGTGCGCGAGAGGTTGGTGGCGTAGAATCTCCAGGCCGACTGC-3'
Protein context (NP_742105.1, residues 350-370): NLSRTDLHST[Trp360Cys]QYYERTVTVP

ClinVar aggregate classification (germline): Likely pathogenic (1 of 4 stars; one submission).

Conditions:
Developmental and epileptic encephalopathy, 7 (DEE7). Also called: Early infantile epileptic encephalopathy 7; KCNQ2-Related Neonatal-Onset Developmental and Epileptic Encephalopathy (NEO-DEE); KCNQ2-Related Neonatal Epileptic Encephalopathy. Identifiers: Orphanet 439218, MedGen C3150986, MONDO:0013387, OMIM 613720.

Submission:

Laboratory of Medical Genetics, National & Kapodistrian University of Athens
Classification: Likely pathogenic for Developmental and epileptic encephalopathy, 7. Last evaluated: 2018-01-18. Review status: criteria provided, single submitter. Criteria: ACMG Guidelines, 2015. Collection method: clinical testing. Allele origin: de novo. Affected: yes.
Comment: PM1, PM2, PP2, PP3, PP4